The following is an entry in ClinVar:

NM_017739.4(POMGNT1):c.593del (p.Ser198fs)

Genes: POMGNT1 (protein O-linked mannose N-acetylglucosaminyltransferase 1 (beta 1,2-); minus strand), TSPAN1 (tetraspanin 1; plus strand). Cytogenetic location: 1p34.1.
Variant type: Deletion.
Coding change: c.593del on transcript NM_017739.4 (MANE Select); coding-DNA position 593, one base deleted (G; older notation c.593delG).
Protein change: p.Ser198fs; shifts the reading frame from serine 198.
Molecular consequence: frameshift variant.
Genome position (GRCh38, 1-based): chr1:46,194,903, C deleted on the plus strand (G on the coding strand, the reverse complement: POMGNT1 is on the minus strand). VCF-style (leftmost placement, unchanged base first): chr1-46194902-GC-G. GRCh37 (hg19) VCF-style: chr1-46660574-GC-G.
Other names: c.593del, p.Ser198fs (NM_001243766.2, NM_001410783.1); c.527delG, p.Ser176Thrfs (NM_001290129.3); c.164del, p.Ser55fs (NM_001290130.2); c.593delG (NM_017739.3); short protein forms S176fs, S198fs, S55fs.
Identifiers: ClinVar variation 56601 (VCV000056601.13), dbSNP rs386834031, ClinGen allele CA263974.

ClinVar aggregate classification (germline): Pathogenic. Review status: criteria provided, single submitter (1 of 4 stars). 3 submissions from 3 submitters: Pathogenic (1). 2 of the submissions do not count toward it. Last evaluated 2020-04-03.

Conditions:
Autosomal recessive limb-girdle muscular dystrophy type 2O. Also called: MUSCULAR DYSTROPHY-DYSTROGLYCANOPATHY (LIMB-GIRDLE), TYPE C, 3; MUSCULAR DYSTROPHY-DYSTROGLYCANOPATHY, LIMB-GIRDLE, POMGNT1-RELATED; Limb-Girdle Muscular Dystrophy Type 3C. Identifiers: Orphanet 206564, MedGen C3150417, MONDO:0013161, OMIM 613157.
Muscular dystrophy-dystroglycanopathy (congenital with impaired intellectual development), type B, 3. Also called: Muscular dystrophy-dystroglycanopathy (congenital with intellectual disability), type B3; MUSCULAR DYSTROPHY, CONGENITAL, POMGNT1-RELATED. Identifiers: MedGen C3150412, MONDO:0013155, OMIM 613151.
Muscle eye brain disease (MEB). Also called: Santavuori congenital muscular dystrophy. Identifiers: Orphanet 588, Orphanet 899, MedGen C0457133, MONDO:0018939.

Submissions (3):

Labcorp Genetics (formerly Invitae), Labcorp
Classification: Pathogenic for Autosomal recessive limb-girdle muscular dystrophy type 2O; Muscular dystrophy-dystroglycanopathy (congenital with impaired intellectual development), type B, 3. Last evaluated: 2020-04-03. Review status: criteria provided, single submitter. Criteria: Invitae Variant Classification Sherloc (09022015). Collection method: clinical testing. Allele origin: germline.
Comment: For these reasons, this variant has been classified as Pathogenic. Loss-of-function variants in POMGNT1 are known to be pathogenic (PMID: 19299310, 20816175, 21447391, 26908613, 27391550). This variant has been observed in individual(s) with muscle–eye–brain disease (PMID: 17906881). ClinVar contains an entry for this variant (Variation ID: 56601). This variant is not present in population databases (ExAC no frequency). This sequence change creates a premature translational stop signal (p.Ser198Thrfs*43) in the POMGNT1 gene. It is expected to result in an absent or disrupted protein product.

Natera, Inc.
Classification: Pathogenic for Muscle-eye-brain disease. Last evaluated: 2021-05-29. Review status: no assertion criteria provided. Collection method: clinical testing. Allele origin: germline. Not counted in ClinVar's aggregate classification.

Juha Muilu Group; Institute for Molecular Medicine Finland (FIMM)
Classification: Likely pathogenic for Muscle eye brain disease. Review status: no assertion criteria provided. Collection method: not provided. Allele origin: unknown. Not counted in ClinVar's aggregate classification.
Comment: FinDis database variant: This variant was not found or characterized by our laboratory, data were collected from public sources: see reference
ClinVar note: Converted during submission from probable-pathogenic to Likely pathogenic.

Literature cited by the submitters: PubMed 19299310 (cited by Labcorp Genetics (formerly Invitae), Labcorp); PubMed 20816175 (cited by Labcorp Genetics (formerly Invitae), Labcorp); PubMed 21447391 (cited by Labcorp Genetics (formerly Invitae), Labcorp); PubMed 26908613 (cited by Labcorp Genetics (formerly Invitae), Labcorp); PubMed 27391550 (cited by Labcorp Genetics (formerly Invitae), Labcorp); PubMed 17906881 (cited by Labcorp Genetics (formerly Invitae), Labcorp).